The following is an entry in ClinVar:

NM_005560.6(LAMA5):c.2240G>A (p.Arg747Gln)

Gene: LAMA5 (laminin subunit alpha 5; minus strand). Cytogenetic location: 20q13.33.
Variant type: single nucleotide variant.
Coding change: c.2240G>A on transcript NM_005560.6 (MANE Select); coding-DNA position 2240, G replaced by A.
Protein change: p.Arg747Gln; replaces arginine 747 with glutamine.
Molecular consequence: missense variant.
Genome position (GRCh38, 1-based): chr20:62,336,423, C>T on the plus strand (G>A on the coding strand, the complement: LAMA5 is on the minus strand). VCF-style: chr20-62336423-C-T. GRCh37 (hg19) VCF-style: chr20-60911479-C-T.
Other names: short protein forms R747Q.
Identifiers: ClinVar variation 423669 (VCV000423669.7), dbSNP rs201992387, ClinGen allele CA9943529.

ClinVar aggregate classification (germline): Uncertain significance. Review status: criteria provided, multiple submitters, no conflicts (2 of 4 stars). 2 submissions from 2 submitters: Uncertain significance (2). Last evaluated 2022-07-20.

Allele frequency attached by ClinVar (database versions not stated): gnomAD 0.00003 and 0.00005; TOPMed 0.00004; ExAC 0.00008; gnomAD exomes 0.00008; 1000 Genomes Project 30x 0.00047; 1000 Genomes Project 0.00060.
gnomAD v4.1: 54 of 1,612,470 alleles (0.0033%); highest among the groups gnomAD compares: East Asian, 0.078%; no homozygotes.

Submissions (2):

Labcorp Genetics (formerly Invitae), Labcorp
Classification: Uncertain significance. Last evaluated: 2022-07-20. Review status: criteria provided, single submitter. Criteria: Invitae Variant Classification Sherloc (09022015). Collection method: clinical testing. Allele origin: germline.
Comment: This sequence change replaces arginine, which is basic and polar, with glutamine, which is neutral and polar, at codon 747 of the LAMA5 protein (p.Arg747Gln). This variant is present in population databases (rs201992387, gnomAD 0.09%). This variant has not been reported in the literature in individuals affected with LAMA5-related conditions. ClinVar contains an entry for this variant (Variation ID: 423669). Algorithms developed to predict the effect of missense changes on protein structure and function are either unavailable or do not agree on the potential impact of this missense change (SIFT: "Deleterious"; PolyPhen-2: "Probably Damaging"; Align-GVGD: "Class C0"). In summary, the available evidence is currently insufficient to determine the role of this variant in disease. Therefore, it has been classified as a Variant of Uncertain Significance.

GeneDx
Classification: Uncertain significance. Last evaluated: 2017-02-28. Review status: criteria provided, single submitter. Criteria: GeneDx Variant Classification (06012015). Collection method: clinical testing. Allele origin: germline. Affected: yes.
Comment: The R747Q variant in the LAMA5 gene has not been reported previously as a pathogenic variant, nor as a benign variant, to our knowledge. The R747Q variant is not observed at a significant frequency in large population cohorts (Lek et al., 2016; 1000 Genomes Consortium et al., 2015; Exome Variant Server). The R747Q variant is a semi-conservative amino acid substitution, which may impact secondary protein structure as these residues differ in some properties. This substitution occurs at a position that is conserved in mammals. In silico analysis predicts this variant is probably damaging to the protein structure/function. We interpret R747Q as a variant of uncertain significance.